The following is an entry in ClinVar:

ClinVar aggregate classification (germline): Benign/Likely benign. Review status: criteria provided, multiple submitters, no conflicts (2 of 4 stars). 4 submissions from 4 submitters: Benign (1); Likely benign (3). Last evaluated 2026-01-06.

Conditions:
Alagille syndrome due to a JAG1 point mutation. Also called: Alagille Syndrome 1; HEPATIC DUCTULAR HYPOPLASIA, SYNDROMATIC; JAG1-Related Alagille Syndrome. Identifiers: Orphanet 261619, Orphanet 52, MedGen C1956125, MONDO:0016862, OMIM 118450.

Allele frequency attached by ClinVar (database versions not stated): gnomAD exomes 0.00010 and 0.00028; ExAC 0.00036; 1000 Genomes Project 30x 0.00047; 1000 Genomes Project 0.00060; ESP Exome Variant Server 0.00100; gnomAD 0.00105 and 0.00118; TOPMed 0.00106.
gnomAD v4.1: 306 of 1,579,052 alleles (0.019%); highest among the groups gnomAD compares: African/African-American, 0.35%; no homozygotes.

Submissions (4):

Labcorp Genetics (formerly Invitae), Labcorp
Classification: Benign for Alagille syndrome due to a JAG1 point mutation. Last evaluated: 2026-01-06. Review status: criteria provided, single submitter. Criteria: Invitae Variant Classification Sherloc (09022015). Collection method: clinical testing. Allele origin: germline.

Blueprint Genetics
Classification: Likely benign. Last evaluated: 2024-11-25. Review status: criteria provided, single submitter. Criteria: ACMG Guidelines, 2015. Collection method: clinical testing. Allele origin: germline.

Eurofins Ntd Llc (ga)
Classification: Likely benign. Last evaluated: 2016-12-01. Review status: criteria provided, single submitter. Criteria: EGL Classification Definitions 2015. Collection method: clinical testing. Allele origin: germline. Observed: 1 variant allele, 1 heterozygote.

GeneDx
Classification: Likely benign. Last evaluated: 2016-08-30. Review status: criteria provided, single submitter. Criteria: GeneDx Variant Classification (06012015). Collection method: clinical testing. Allele origin: germline. Affected: yes.
Comment: This variant is considered likely benign or benign based on one or more of the following criteria: it is a conservative change, it occurs at a poorly conserved position in the protein, it is predicted to be benign by multiple in silico algorithms, and/or has population frequency not consistent with disease.

NM_000214.3(JAG1):c.1120+10A>G

Gene: JAG1 (jagged canonical Notch ligand 1; minus strand). Cytogenetic location: 20p12.2.
Variant type: single nucleotide variant.
Coding change: c.1120+10A>G on transcript NM_000214.3 (MANE Select); 10 bases into the intron after coding-DNA position 1120, A replaced by G.
Molecular consequence: intron variant.
Genome position (GRCh38, 1-based): chr20:10,651,571, T>C on the plus strand (A>G on the coding strand, the complement: JAG1 is on the minus strand). VCF-style: chr20-10651571-T-C. GRCh37 (hg19) VCF-style: chr20-10632219-T-C.
Other names: c.1120+10A>G (LRG_1191t1).
Identifiers: ClinVar variation 389093 (VCV000389093.16), dbSNP rs201711717, ClinGen allele CA9764977.
Genomic context (GRCh38, chr20:10,651,571, plus strand): 5'-TACCTCTCCCCAGCGTGGTATCTTGGCACAAGGATCCTTAGAATGGACACAGGCTGAAAA[T>C]TGGACTTACTTGTAGAGCATGTGGGGCCGGTCCAGCCTGGGGAACACTCACACTCAAAGC-3'